The following is an entry in ClinVar:

ClinVar aggregate classification (germline): Likely pathogenic (1 of 4 stars; one submission).

Submission:

Dasa
Classification: Likely pathogenic. Last evaluated: 2025-09-01. Review status: criteria provided, single submitter. Criteria: DASA Assertion Criteria. Collection method: clinical testing. Allele origin: germline.
Comment: NM_080425.4(GNAS):c.782C>A (p.Ser261*) is a nonsense variant in GNAS predicted to introduce a premature termination codon and is predicted to result in an absent or altered protein product. Loss of function is an established disease mechanism for GNAS (PMID: 9876352; PMID: 11095461; PMID: 11600516). Also, this variant is absent from population databases. Based on the currently available evidence, this variant is classified as likely pathogenic.

Literature cited by the submitters: PubMed 9876352; PubMed 11095461; PubMed 11600516.

NM_080425.4(GNAS):c.782C>A (p.Ser261Ter)

Gene: GNAS (GNAS complex locus; plus strand). Cytogenetic location: 20q13.32.
Variant type: single nucleotide variant.
Coding change: c.782C>A on transcript NM_080425.4 (MANE Plus Clinical); coding-DNA position 782, C replaced by A.
Protein change: p.Ser261Ter; replaces serine 261 with a stop codon.
Molecular consequence: nonsense. On other transcripts: synonymous variant (2), intron variant (3).
Genome position (GRCh38, 1-based): chr20:58,854,047, C>A. VCF-style: chr20-58854047-C-A. GRCh37 (hg19) VCF-style: chr20-57429102-C-A.
Other names: c.595C>A, p.Arg199= (NM_001077490.3, NM_001309883.1); c.782C>A, p.Ser261Ter (NM_001410913.1); c.*42+13161C>A (NM_016592.5); c.43+13161C>A (NM_001410912.1); c.-39+12172C>A (NM_001309861.2); short protein forms S261*.
Identifiers: ClinVar variation 4852626 (VCV004852626.2).